The following is an entry in ClinVar:

ClinVar aggregate classification (germline): Conflicting classifications of pathogenicity. Review status: criteria provided, conflicting classifications (1 of 4 stars). 3 submissions from 3 submitters: Uncertain significance (2); Likely benign (1). Last evaluated 2026-04-04.

Conditions:
Hereditary cancer-predisposing syndrome. Also called: Hereditary neoplastic syndrome; Neoplastic Syndromes, Hereditary; Tumor predisposition; Hereditary Cancer Syndrome. Identifiers: Orphanet 140162, MedGen C0027672, MeSH D009386, MONDO:0015356.
Hereditary breast ovarian cancer syndrome. Also called: Hereditary breast and ovarian cancer syndrome; Hereditary breast and/or ovarian cancer syndrome; Hereditary breast and ovarian cancer; Hereditary breast and ovarian cancer syndrome (HBOC); BRCA1- and BRCA2-Associated Hereditary Breast and Ovarian Cancer; Breast and ovarian cancer. Identifiers: Orphanet 145, MedGen C0677776, MeSH D061325, MONDO:0003582. Disease mechanism: loss of function.

Submissions (3):

Ambry Genetics
Classification: Uncertain significance for Hereditary cancer-predisposing syndrome. Last evaluated: 2026-04-04. Review status: criteria provided, single submitter. Criteria: Ambry Variant Classification Scheme 2023. Collection method: clinical testing. Allele origin: germline.
Comment: The p.F1030S variant (also known as c.3089T>C), located in coding exon 10 of the BRCA2 gene, results from a T to C substitution at nucleotide position 3089. The phenylalanine at codon 1030 is replaced by serine, an amino acid with highly dissimilar properties. This amino acid position is conserved. In addition, the in silico prediction for this alteration is inconclusive. Based on the available evidence, the clinical significance of this variant remains unclear.

University of Washington Department of Laboratory Medicine, University of Washington
Classification: Likely benign for Hereditary cancer-predisposing syndrome. Last evaluated: 2023-03-23. Review status: criteria provided, single submitter. Criteria: Dines et al. (Genet Med. 2020). Collection method: curation. Allele origin: germline.
Comment: Missense variant in a coldspot region where missense variants are very unlikely to be pathogenic (PMID:31911673).

BRCA2 exon 11 coldspot. Reclassification based on statistical prior probability.

Labcorp Genetics (formerly Invitae), Labcorp
Classification: Uncertain significance for Hereditary breast ovarian cancer syndrome. Last evaluated: 2022-01-28. Review status: criteria provided, single submitter. Criteria: Invitae Variant Classification Sherloc (09022015). Collection method: clinical testing. Allele origin: germline.
Comment: ClinVar contains an entry for this variant (Variation ID: 1018529). This sequence change replaces phenylalanine, which is neutral and non-polar, with serine, which is neutral and polar, at codon 1030 of the BRCA2 protein (p.Phe1030Ser). This variant is not present in population databases (gnomAD no frequency). This variant has not been reported in the literature in individuals affected with BRCA2-related conditions. Advanced modeling of protein sequence and biophysical properties (such as structural, functional, and spatial information, amino acid conservation, physicochemical variation, residue mobility, and thermodynamic stability) performed at Invitae indicates that this missense variant is not expected to disrupt BRCA2 protein function. In summary, the available evidence is currently insufficient to determine the role of this variant in disease. Therefore, it has been classified as a Variant of Uncertain Significance.

NM_000059.4(BRCA2):c.3089T>C (p.Phe1030Ser)

Gene: BRCA2 (BRCA2 DNA repair associated; plus strand). Cytogenetic location: 13q13.1.
Variant type: single nucleotide variant.
Coding change: c.3089T>C on transcript NM_000059.4 (MANE Select); coding-DNA position 3089, T replaced by C.
Protein change: p.Phe1030Ser; replaces phenylalanine 1030 with serine.
Molecular consequence: missense variant.
Genome position (GRCh38, 1-based): chr13:32,337,444, T>C. VCF-style: chr13-32337444-T-C. GRCh37 (hg19) VCF-style: chr13-32911581-T-C.
Other names: c.3089T>C (NM_000059.3); short protein forms F1030S.
Identifiers: ClinVar variation 1018529 (VCV001018529.11), dbSNP rs2072472146, ClinGen allele CA387775263.